The following is an entry in ClinVar:

NM_016222.4(DDX41):c.643A>C (p.Ile215Leu)

Gene: DDX41 (DEAD-box helicase 41; minus strand). Cytogenetic location: 5q35.3.
Variant type: single nucleotide variant.
Coding change: c.643A>C on transcript NM_016222.4 (MANE Select); coding-DNA position 643, A replaced by C.
Protein change: p.Ile215Leu; replaces isoleucine 215 with leucine.
Molecular consequence: missense variant.
Genome position (GRCh38, 1-based): chr5:177,515,187, T>G on the plus strand (A>C on the coding strand, the complement: DDX41 is on the minus strand). VCF-style: chr5-177515187-T-G. GRCh37 (hg19) VCF-style: chr5-176942188-T-G.
Other names: c.643A>C (NM_016222.3); c.265A>C, p.Ile89Leu (NM_001321732.2, NM_001321830.2); short protein forms I215L, I89L.
Identifiers: ClinVar variation 1327764 (VCV001327764.11), dbSNP rs573545872, ClinGen allele CA3585086.

ClinVar aggregate classification (germline): Conflicting classifications of pathogenicity. Review status: criteria provided, conflicting classifications (1 of 4 stars). 5 submissions from 5 submitters: Uncertain significance (3); Likely benign (1). 1 of the submissions does not count toward it. Last evaluated 2025-07-13.

Conditions:
Inborn genetic diseases. Identifiers: MedGen C0950123, MeSH D030342.
DDX41-related hematologic malignancy predisposition syndrome. Also called: Myeloproliferative/lymphoproliferative neoplasms, familial (multiple types), susceptibility to; DDX41-Associated Familial Myelodysplastic Syndrome and Acute Myeloid Leukemia. Identifiers: Orphanet 488647, MedGen C4225174, MONDO:0014809, OMIM 616871.
DDX41-related disorder. Also called: DDX41-related condition.

Allele frequency attached by ClinVar (database versions not stated): TOPMed 0.00001; gnomAD 0.00004.

Submissions (5):

Labcorp Genetics (formerly Invitae), Labcorp
Classification: Uncertain significance. Last evaluated: 2025-07-13. Review status: criteria provided, single submitter. Criteria: Invitae Variant Classification Sherloc (09022015). Collection method: clinical testing. Allele origin: germline.
Comment: This sequence change replaces isoleucine, which is neutral and non-polar, with leucine, which is neutral and non-polar, at codon 215 of the DDX41 protein (p.Ile215Leu). This variant is present in population databases (rs573545872, gnomAD 0.04%), and has an allele count higher than expected for a pathogenic variant. This missense change has been observed in individual(s) with DDX41-related conditions (PMID: 35443031, 37665752). ClinVar contains an entry for this variant (Variation ID: 1327764). An algorithm developed to predict the effect of missense changes on protein structure and function (PolyPhen-2) suggests that this variant is likely to be tolerated. Algorithms developed to predict the effect of sequence changes on RNA splicing suggest that this variant may disrupt the consensus splice site. In summary, the available evidence is currently insufficient to determine the role of this variant in disease. Therefore, it has been classified as a Variant of Uncertain Significance.

Ambry Genetics
Classification: Likely benign for Inborn genetic diseases. Last evaluated: 2025-01-06. Review status: criteria provided, single submitter. Criteria: Ambry Variant Classification Scheme 2023. Collection method: clinical testing. Allele origin: germline.

GeneDx
Classification: Uncertain significance. Last evaluated: 2024-10-13. Review status: criteria provided, single submitter. Criteria: GeneDx Variant Classification Process June 2021. Collection method: clinical testing. Allele origin: germline. Affected: yes.
Comment: In silico analysis indicates that this missense variant does not alter protein structure/function; Observed in an individual with AML (PMID: 35443031); This variant is associated with the following publications: (PMID: 36672294, 37665752, 37506341, 27721487, 35443031)

Baylor Genetics
Classification: Uncertain significance for DDX41-related hematologic malignancy predisposition syndrome. Last evaluated: 2024-03-25. Review status: criteria provided, single submitter. Criteria: ACMG Guidelines, 2015. Collection method: clinical testing. Allele origin: unknown.

PreventionGenetics, part of Exact Sciences
Classification: Uncertain significance for DDX41-related condition. Last evaluated: 2023-10-26. Review status: no assertion criteria provided. Collection method: clinical testing. Allele origin: germline. Not counted in ClinVar's aggregate classification.
Comment: The DDX41 c.643A>C variant is predicted to result in the amino acid substitution p.Ile215Leu. To our knowledge, this variant has not been reported in the literature. This variant is reported in 0.044% of alleles in individuals of European (Finnish) descent in gnomAD and is reported as a variant of uncertain significance in ClinVar. At this time, the clinical significance of this variant is uncertain due to the absence of conclusive functional and genetic evidence.

Literature cited by the submitters: PubMed 35443031 (cited by Labcorp Genetics (formerly Invitae), Labcorp); PubMed 37665752 (cited by Labcorp Genetics (formerly Invitae), Labcorp).